The following is an entry in ClinVar:

ClinVar aggregate classification (germline): Likely pathogenic (1 of 4 stars; one submission).

Conditions:
Rare genetic deafness. Identifiers: Orphanet 96210, MedGen C5680250.

Submission:

Laboratory for Molecular Medicine, Mass General Brigham Personalized Medicine
Classification: Likely pathogenic for Rare genetic deafness. Last evaluated: 2020-08-13. Review status: criteria provided, single submitter. Criteria: LMM Criteria. Collection method: clinical testing. Allele origin: germline. Inheritance: Autosomal recessive inheritance. Observed: 1 variant allele.
Comment: The p.Glu1349X variant in LOXHD1 has not been previously reported in individuals with hearing loss and was absent from large population studies. This nonsense variant leads to a premature termination codon at position 1349, which is predicted to lead to a truncated or absent protein. Loss of function of the LOXHD1 gene is an established disease mechanism in autosomal recessive sensorineural hearing loss.In summary, although additional studies are required to fully establish its clinical significance, this variant meets criteria to be classified as likely pathogenic for autosomal recessive sensorineural hearing loss. ACMG/AMP Criteria applied: PVS1, PM2.

NM_001384474.1(LOXHD1):c.4045G>T (p.Glu1349Ter)

Gene: LOXHD1 (lipoxygenase homology PLAT domains 1; minus strand). Cytogenetic location: 18q21.1.
Variant type: single nucleotide variant.
Coding change: c.4045G>T on transcript NM_001384474.1 (MANE Select); coding-DNA position 4045, G replaced by T.
Protein change: p.Glu1349Ter; replaces glutamic acid 1349 with a stop codon.
Molecular consequence: nonsense.
Genome position (GRCh38, 1-based): chr18:46,538,206, C>A on the plus strand (G>T on the coding strand, the complement: LOXHD1 is on the minus strand). VCF-style: chr18-46538206-C-A. GRCh37 (hg19) VCF-style: chr18-44118169-C-A.
Other names: c.712G>T, p.Glu238Ter (NM_001145472.3); c.424G>T, p.Glu142Ter (NM_001308013.2); c.4045G>T, p.Glu1349Ter (NM_144612.7); short protein forms E1349*, E142*, E238*.
Identifiers: ClinVar variation 1120122 (VCV001120122.4), dbSNP rs2144321916, ClinGen allele CA402376837.
Genomic context (GRCh38, chr18:46,538,206, plus strand): 5'-GCCCAAGTACCTCTACGATGAAGCGGGAGGCAGACTTCCTCTCAAAGAACTGCTTCTGTT[C>A]CCTCTTGTTGGTACACAGATACTTCTGCTGGGTGCACACGGCATCGCAGCCATAGATGAT-3'